The following is an entry in ClinVar:

NM_001379081.2(FREM1):c.3542A>T (p.Asp1181Val)

Gene: FREM1 (FRAS1 related extracellular matrix 1; minus strand). Cytogenetic location: 9p22.3.
Variant type: single nucleotide variant.
Coding change: c.3542A>T on transcript NM_001379081.2 (MANE Select); coding-DNA position 3542, A replaced by T.
Protein change: p.Asp1181Val; replaces aspartic acid 1181 with valine.
Molecular consequence: missense variant. On other transcripts: non-coding transcript variant (2).
Genome position (GRCh38, 1-based): chr9:14,801,804, T>A on the plus strand (A>T on the coding strand, the complement: FREM1 is on the minus strand). VCF-style: chr9-14801804-T-A. GRCh37 (hg19) VCF-style: chr9-14801802-T-A.
Other names: c.3542A>T, p.Asp1181Val (NM_144966.7); short protein forms D1181V.
Identifiers: ClinVar variation 914237 (VCV000914237.10), dbSNP rs200883446, ClinGen allele CA4990514.

ClinVar aggregate classification (germline): Uncertain significance. Review status: criteria provided, multiple submitters, no conflicts (2 of 4 stars). 4 submissions from 4 submitters: Uncertain significance (4). Last evaluated 2025-02-11.

Conditions:
BNAR syndrome. Also called: Bifid Nose With or Without Anorectal and Renal Anomalies (BNAR) Syndrome. Identifiers: Orphanet 217266, MedGen C2750433, MONDO:0012165, OMIM 608980.
Oculotrichoanal syndrome (MOTA). Also called: MARLES SYNDROME; Manitoba Oculotrichoanal (MOTA) Syndrome. Identifiers: Orphanet 2717, MedGen C1855425, MONDO:0009560, OMIM 248450.
Trigonocephaly 2 (TRIGNO2). Identifiers: Orphanet 3366, MedGen C3280974, MONDO:0013774, OMIM 614485.
Inborn genetic diseases. Identifiers: MedGen C0950123, MeSH D030342.

Allele frequency attached by ClinVar (database versions not stated): TOPMed 0.00007; ExAC 0.00007; gnomAD 0.00005 and 0.00006; gnomAD exomes 0.00008; ESP Exome Variant Server 0.00024.
gnomAD v4.1: 85 of 1,613,894 alleles (0.0053%); highest among the groups gnomAD compares: Middle Eastern, 0.099%; no homozygotes.

Submissions (4):

Ambry Genetics
Classification: Uncertain significance for Inborn genetic diseases. Last evaluated: 2025-02-11. Review status: criteria provided, single submitter. Criteria: Ambry Variant Classification Scheme 2023. Collection method: clinical testing. Allele origin: germline.

Labcorp Genetics (formerly Invitae), Labcorp
Classification: Uncertain significance. Last evaluated: 2022-08-02. Review status: criteria provided, single submitter. Criteria: Invitae Variant Classification Sherloc (09022015). Collection method: clinical testing. Allele origin: germline.
Comment: This variant is present in population databases (rs200883446, gnomAD 0.02%). This sequence change replaces aspartic acid, which is acidic and polar, with valine, which is neutral and non-polar, at codon 1181 of the FREM1 protein (p.Asp1181Val). This variant has not been reported in the literature in individuals affected with FREM1-related conditions. ClinVar contains an entry for this variant (Variation ID: 914237). Algorithms developed to predict the effect of missense changes on protein structure and function are either unavailable or do not agree on the potential impact of this missense change (SIFT: "Deleterious"; PolyPhen-2: "Probably Damaging"; Align-GVGD: "Class C0"). In summary, the available evidence is currently insufficient to determine the role of this variant in disease. Therefore, it has been classified as a Variant of Uncertain Significance.

Fulgent Genetics
Classification: Uncertain significance for Oculotrichoanal syndrome; BNAR syndrome; Trigonocephaly 2. Last evaluated: 2022-04-23. Review status: criteria provided, single submitter. Criteria: ACMG Guidelines, 2015. Collection method: clinical testing. Allele origin: unknown.

Illumina Laboratory Services, Illumina
Classification: Uncertain significance for Oculotrichoanal syndrome. Last evaluated: 2018-01-13. Review status: criteria provided, single submitter. Criteria: ICSL Variant Classification Criteria 13 December 2019. Collection method: clinical testing. Allele origin: germline.